The following is an entry in ClinVar:

ClinVar aggregate classification (germline): Uncertain significance. Review status: criteria provided, multiple submitters, no conflicts (2 of 4 stars). 3 submissions from 3 submitters: Uncertain significance (3). Last evaluated 2024-10-22.

Conditions:
Inborn genetic diseases. Identifiers: MedGen C0950123, MeSH D030342.

Allele frequency attached by ClinVar (database versions not stated): gnomAD exomes 0.00001; ExAC 0.00002; gnomAD 0.00005; TOPMed 0.00009.
gnomAD v4.1: 11 of 1,613,726 alleles (0.00068%); highest among the groups gnomAD compares: African/African-American, 0.013%; no homozygotes.

Submissions (3):

Labcorp Genetics (formerly Invitae), Labcorp
Classification: Uncertain significance. Last evaluated: 2024-10-22. Review status: criteria provided, single submitter. Criteria: Invitae Variant Classification Sherloc (09022015). Collection method: clinical testing. Allele origin: germline.
Comment: This sequence change replaces methionine, which is neutral and non-polar, with isoleucine, which is neutral and non-polar, at codon 252 of the TTPA protein (p.Met252Ile). This variant is present in population databases (rs752810718, gnomAD 0.02%). This variant has not been reported in the literature in individuals affected with TTPA-related conditions. ClinVar contains an entry for this variant (Variation ID: 1482222). Invitae Evidence Modeling of protein sequence and biophysical properties (such as structural, functional, and spatial information, amino acid conservation, physicochemical variation, residue mobility, and thermodynamic stability) indicates that this missense variant is not expected to disrupt TTPA protein function with a negative predictive value of 80%. In summary, the available evidence is currently insufficient to determine the role of this variant in disease. Therefore, it has been classified as a Variant of Uncertain Significance.

Ambry Genetics
Classification: Uncertain significance for Inborn genetic diseases. Last evaluated: 2024-01-23. Review status: criteria provided, single submitter. Criteria: Ambry Variant Classification Scheme 2023. Collection method: clinical testing. Allele origin: germline.

Blueprint Genetics
Classification: Uncertain significance. Last evaluated: 2021-03-25. Review status: criteria provided, single submitter. Criteria: ACMG Guidelines, 2015. Collection method: clinical testing. Allele origin: germline.

NM_000370.3(TTPA):c.756G>A (p.Met252Ile)

Gene: TTPA (alpha tocopherol transfer protein; minus strand). Cytogenetic location: 8q12.3.
Variant type: single nucleotide variant.
Coding change: c.756G>A on transcript NM_000370.3 (MANE Select); coding-DNA position 756, G replaced by A.
Protein change: p.Met252Ile; replaces methionine 252 with isoleucine.
Molecular consequence: missense variant.
Genome position (GRCh38, 1-based): chr8:63,061,333, C>T on the plus strand (G>A on the coding strand, the complement: TTPA is on the minus strand). VCF-style: chr8-63061333-C-T. GRCh37 (hg19) VCF-style: chr8-63973892-C-T.
Other names: short protein forms M252I.
Identifiers: ClinVar variation 1482222 (VCV001482222.6), dbSNP rs752810718, ClinGen allele CA4763146.